The following is an entry in ClinVar:

NM_016204.4(GDF2):c.1162G>A (p.Val388Met)

Gene: GDF2 (growth differentiation factor 2; plus strand). Cytogenetic location: 10q11.22.
Variant type: single nucleotide variant.
Coding change: c.1162G>A on transcript NM_016204.4 (MANE Select); coding-DNA position 1162, G replaced by A.
Protein change: p.Val388Met; replaces valine 388 with methionine.
Molecular consequence: missense variant.
Genome position (GRCh38, 1-based): chr10:47,325,656, G>A. VCF-style: chr10-47325656-G-A. GRCh37 (hg19) VCF-style: chr10-48413706-C-T.
Other names: short protein forms V388M.
Identifiers: ClinVar variation 1388519 (VCV001388519.6), dbSNP rs2132236835, ClinGen allele CA376658251.

ClinVar aggregate classification (germline): Uncertain significance (1 of 4 stars; one submission).

Conditions:
Telangiectasia, hereditary hemorrhagic, type 5 (HHT5). Identifiers: Orphanet 774, MedGen C3809710, MONDO:0014217, OMIM 615506.

Submission:

Labcorp Genetics (formerly Invitae), Labcorp
Classification: Uncertain significance for Telangiectasia, hereditary hemorrhagic, type 5. Last evaluated: 2021-10-21. Review status: criteria provided, single submitter. Criteria: Invitae Variant Classification Sherloc (09022015). Collection method: clinical testing. Allele origin: germline.
Comment: In summary, the available evidence is currently insufficient to determine the role of this variant in disease. Therefore, it has been classified as a Variant of Uncertain Significance. Algorithms developed to predict the effect of missense changes on protein structure and function are either unavailable or do not agree on the potential impact of this missense change (SIFT: "Deleterious"; PolyPhen-2: "Benign"; Align-GVGD: "Class C0"). This variant has not been reported in the literature in individuals affected with GDF2-related conditions. This variant is not present in population databases (ExAC no frequency). This sequence change replaces valine with methionine at codon 388 of the GDF2 protein (p.Val388Met). The valine residue is moderately conserved and there is a small physicochemical difference between valine and methionine.